The following is an entry in ClinVar:

NM_001378609.3(OTOGL):c.1442-5G>T

Gene: OTOGL (otogelin like; plus strand). Cytogenetic location: 12q21.31.
Variant type: single nucleotide variant.
Coding change: c.1442-5G>T on transcript NM_001378609.3 (MANE Select); 5 bases into the intron before coding-DNA position 1442, G replaced by T.
Molecular consequence: intron variant.
Genome position (GRCh38, 1-based): chr12:80,255,035, G>T. VCF-style: chr12-80255035-G-T. GRCh37 (hg19) VCF-style: chr12-80648815-G-T.
Other names: c.1442-5G>T (NM_001368062.3, NM_001378610.3, NM_173591.7).
Identifiers: ClinVar variation 508565 (VCV000508565.1), dbSNP rs75895717, ClinGen allele CA240197447.

ClinVar aggregate classification (germline): Likely benign (1 of 4 stars; one submission).

Submission:

GeneDx
Classification: Likely benign. Last evaluated: 2018-01-25. Review status: criteria provided, single submitter. Criteria: GeneDx Variant Classification (06012015). Collection method: clinical testing. Allele origin: germline. Affected: yes.
Comment: This variant is considered likely benign or benign based on one or more of the following criteria: it is a conservative change, it occurs at a poorly conserved position in the protein, it is predicted to be benign by multiple in silico algorithms, and/or has population frequency not consistent with disease.